The following is an entry in ClinVar:

ClinVar aggregate classification (germline): Likely benign. Review status: criteria provided, multiple submitters, no conflicts (2 of 4 stars). 3 submissions from 3 submitters: Likely benign (3). Last evaluated 2022-11-07.

Conditions:
Cardiomyopathy (CMYO). Also called: Cardiomyopathies. Identifiers: Orphanet 167848, MedGen C0878544, MONDO:0004994, HP:0001638. Inheritance: Various modes of inheritance.

Allele frequency attached by ClinVar (database versions not stated): gnomAD exomes below 0.00001; ExAC 0.00001; gnomAD 0.00001; 1000 Genomes Project 30x 0.00016; 1000 Genomes Project 0.00040.
gnomAD v4.1: 1 of 1,613,830 alleles (0.000062%); highest among the groups gnomAD compares: South Asian, 0.0011%; no homozygotes.

Submissions (3):

CHEO Genetics Diagnostic Laboratory, Children's Hospital of Eastern Ontario
Classification: Likely benign for Cardiomyopathy. Last evaluated: 2022-11-07. Review status: criteria provided, single submitter. Criteria: ACMG Guidelines, 2015. Collection method: clinical testing. Allele origin: germline.

Color Diagnostics, LLC DBA Color Health
Classification: Likely benign for Cardiomyopathy. Last evaluated: 2018-11-25. Review status: criteria provided, single submitter. Criteria: ACMG Guidelines, 2015. Collection method: clinical testing. Allele origin: germline.

Laboratory for Molecular Medicine, Mass General Brigham Personalized Medicine
Classification: Likely benign. Last evaluated: 2014-12-30. Review status: criteria provided, single submitter. Criteria: LMM Criteria. Collection method: clinical testing. Allele origin: germline. Observed: 1 variant allele.
Comment: p.Asn1217Asn in exon 33 of MYBPC3: This variant is not expected to have clinical significance because it does not alter an amino acid residue and is not located within the splice consensus sequence.

NM_000256.3(MYBPC3):c.3651T>C (p.Asn1217=)

Gene: MYBPC3 (myosin binding protein C3; minus strand). Cytogenetic location: 11p11.2.
Variant type: single nucleotide variant.
Coding change: c.3651T>C on transcript NM_000256.3 (MANE Select); coding-DNA position 3651, T replaced by C.
Protein change: p.Asn1217=; no amino-acid change (asparagine 1217 retained).
Molecular consequence: synonymous variant.
Genome position (GRCh38, 1-based): chr11:47,332,235, A>G on the plus strand (T>C on the coding strand, the complement: MYBPC3 is on the minus strand). VCF-style: chr11-47332235-A-G. GRCh37 (hg19) VCF-style: chr11-47353786-A-G.
Identifiers: ClinVar variation 227569 (VCV000227569.7), dbSNP rs528649058, ClinGen allele CA079489.
Genomic context (GRCh38, chr11:47,332,235, plus strand): 5'-AGTCAACACTCCCTGCTTGCTGAACATGCGGAAGCGGGCGTCTTCTCCCAGGTCCAGGCC[A>G]TTCTTGAACCAGGAAATCTTGGGCTATAAATAAGGTAAAGAGAGGGAGGGAAGCCATCCA-3'
Protein context (NP_000247.2, residues 1207-1227): SPKPKISWFK[Asn1217=]GLDLGEDARF